The following is an entry in ClinVar:

ClinVar aggregate classification (germline): Likely benign (1 of 4 stars; one submission).

gnomAD v4.1: 23 of 1,614,096 alleles (0.0014%); highest among the groups gnomAD compares: Middle Eastern, 0.016%; no homozygotes.

Submission:

CeGaT Center for Human Genetics Tuebingen
Classification: Likely benign. Last evaluated: 2025-01-01. Review status: criteria provided, single submitter. Criteria: CeGaT Center For Human Genetics Tuebingen Variant Classification Criteria Version 2. Collection method: clinical testing. Allele origin: germline. Affected: yes. Observed: 1 variant allele.
Comment: TMEM204: BP4, BP7

NM_024600.6(TMEM204):c.513G>C (p.Leu171=)

Genes: IFT140 (intraflagellar transport 140; minus strand), TMEM204 (transmembrane protein 204; plus strand). Cytogenetic location: 16p13.3.
Variant type: single nucleotide variant.
Coding change: c.513G>C on transcript NM_024600.6 (MANE Select); coding-DNA position 513, G replaced by C.
Protein change: p.Leu171=; no amino-acid change (leucine 171 retained).
Molecular consequence: synonymous variant. On other transcripts: intron variant (1).
Genome position (GRCh38, 1-based): chr16:1,554,858, G>C. VCF-style: chr16-1554858-G-C. GRCh37 (hg19) VCF-style: chr16-1604859-G-C.
Other names: c.513G>C, p.Leu171= (NM_001256541.2); c.2399+3077C>G (NM_014714.4).
Identifiers: ClinVar variation 3771170 (VCV003771170.13).